The following is an entry in ClinVar:

NM_020754.4(ARHGAP31):c.3413G>A (p.Gly1138Glu)

Gene: ARHGAP31 (Rho GTPase activating protein 31; plus strand). Cytogenetic location: 3q13.33.
Variant type: single nucleotide variant.
Coding change: c.3413G>A on transcript NM_020754.4 (MANE Select); coding-DNA position 3413, G replaced by A.
Protein change: p.Gly1138Glu; replaces glycine 1138 with glutamic acid.
Molecular consequence: missense variant.
Genome position (GRCh38, 1-based): chr3:119,415,342, G>A. VCF-style: chr3-119415342-G-A. GRCh37 (hg19) VCF-style: chr3-119134189-G-A.
Other names: short protein forms G1138E.
Identifiers: ClinVar variation 4978588 (VCV004978588.1).

ClinVar aggregate classification (germline): Uncertain significance (1 of 4 stars; one submission).

Conditions:
ARHGAP31-related disorder. Also called: ARHGAP31-related condition.

gnomAD v4.1: 2 of 1,614,122 alleles (0.00012%); highest among the groups gnomAD compares: Non-Finnish European, 0.000085%; no homozygotes.

Submission:

PreventionGenetics, part of Exact Sciences
Classification: Uncertain significance for ARHGAP31-related condition. Last evaluated: 2025-09-24. Review status: criteria provided, single submitter. Criteria: ACMG Guidelines, 2015. Collection method: clinical testing. Allele origin: germline.
Comment: The ARHGAP31 c.3413G>A variant is predicted to result in the amino acid substitution p.Gly1138Glu. To our knowledge, this variant has not been reported in the literature. This variant is reported in 0.00089% of alleles in individuals of European (Non-Finnish) descent in gnomAD. At this time, the clinical significance of this variant is uncertain due to the absence of conclusive functional and genetic evidence.